The following is an entry in ClinVar:

NM_005908.4(MANBA):c.1230+12A>G

Gene: MANBA (mannosidase beta; minus strand). Cytogenetic location: 4q24.
Variant type: single nucleotide variant.
Coding change: c.1230+12A>G on transcript NM_005908.4 (MANE Select); 12 bases into the intron after coding-DNA position 1230, A replaced by G.
Molecular consequence: intron variant.
Genome position (GRCh38, 1-based): chr4:102,671,269, T>C on the plus strand (A>G on the coding strand, the complement: MANBA is on the minus strand). VCF-style: chr4-102671269-T-C. GRCh37 (hg19) VCF-style: chr4-103592426-T-C.
Identifiers: ClinVar variation 1971821 (VCV001971821.5), dbSNP rs1731483306, ClinGen allele CA1481480677.
Genomic context (GRCh38, chr4:102,671,269, plus strand): 5'-CATTCAGAACATTGGCAGTCAAACTGAGGATATAGTAACTTATCAATATATAAAATGCTA[T>C]CAACTTCTCACCATTATTCCTAGTTCATCACAGAGTTCATAGAATTCATCCTGCTCATAA-3'

ClinVar aggregate classification (germline): Uncertain significance (1 of 4 stars; one submission).

Conditions:
Beta-D-mannosidosis (MANSB). Also called: MANNOSIDOSIS, BETA A, LYSOSOMAL; BETA-MANNOSIDASE DEFICIENCY; LYSOSOMAL BETA-MANNOSIDASE DEFICIENCY; Beta-Mannosidosis. Identifiers: Orphanet 118, MedGen C4048196, MONDO:0009562, OMIM 248510.

Allele frequency attached by ClinVar (database versions not stated): gnomAD exomes below 0.00001; TOPMed 0.00001.
gnomAD v4.1: 1 of 1,459,408 alleles (0.000069%); highest among the groups gnomAD compares: Non-Finnish European, 0.000096%; no homozygotes.

Submission:

Labcorp Genetics (formerly Invitae), Labcorp
Classification: Uncertain significance for Beta-D-mannosidosis. Last evaluated: 2023-03-17. Review status: criteria provided, single submitter. Criteria: Invitae Variant Classification Sherloc (09022015). Collection method: clinical testing. Allele origin: germline.
Comment: In summary, the available evidence is currently insufficient to determine the role of this variant in disease. Therefore, it has been classified as a Variant of Uncertain Significance. Algorithms developed to predict the effect of sequence changes on RNA splicing suggest that this variant may create or strengthen a splice site. ClinVar contains an entry for this variant (Variation ID: 1971821). This variant has not been reported in the literature in individuals affected with MANBA-related conditions. This variant is not present in population databases (gnomAD no frequency). This sequence change falls in intron 9 of the MANBA gene. It does not directly change the encoded amino acid sequence of the MANBA protein.